The following is an entry in ClinVar:

ClinVar aggregate classification (germline): Uncertain significance (1 of 4 stars; one submission).

Submission:

Labcorp Genetics (formerly Invitae), Labcorp
Classification: Uncertain significance. Last evaluated: 2024-10-22. Review status: criteria provided, single submitter. Criteria: Invitae Variant Classification Sherloc (09022015). Collection method: clinical testing. Allele origin: germline.
Comment: This sequence change replaces lysine, which is basic and polar, with asparagine, which is neutral and polar, at codon 323 of the IMPDH1 protein (p.Lys323Asn). This variant is not present in population databases (gnomAD no frequency). This missense change has been observed in individual(s) with retinitis pigmentosa (internal data). ClinVar contains an entry for this variant (Variation ID: 1371890). An algorithm developed to predict the effect of missense changes on protein structure and function (PolyPhen-2) suggests that this variant is likely to be disruptive. This variant disrupts the p.Lys323 amino acid residue in IMPDH1. Other variant(s) that disrupt this residue have been determined to be pathogenic (PMID: 16038673, 28488341, 28559085; internal data). This suggests that this residue is clinically significant, and that variants that disrupt this residue are likely to be disease-causing. In summary, the available evidence is currently insufficient to determine the role of this variant in disease. Therefore, it has been classified as a Variant of Uncertain Significance.

Literature cited by the submitters: PubMed 16038673; PubMed 28488341; PubMed 28559085.

NM_000883.4(IMPDH1):c.969G>T (p.Lys323Asn)

Gene: IMPDH1 (inosine monophosphate dehydrogenase 1; minus strand). Cytogenetic location: 7q32.1.
Variant type: single nucleotide variant.
Coding change: c.969G>T on transcript NM_000883.4 (MANE Select); coding-DNA position 969, G replaced by T.
Protein change: p.Lys323Asn; replaces lysine 323 with asparagine.
Molecular consequence: missense variant.
Genome position (GRCh38, 1-based): chr7:128,398,519, C>A on the plus strand (G>T on the coding strand, the complement: IMPDH1 is on the minus strand). VCF-style: chr7-128398519-C-A. GRCh37 (hg19) VCF-style: chr7-128038573-C-A.
Other names: c.939G>T, p.Lys313Asn (NM_001102605.2); c.714G>T, p.Lys238Asn (NM_001142573.2); c.699G>T, p.Lys233Asn (NM_001142574.2); c.639G>T, p.Lys213Asn (NM_001142575.2); c.870G>T, p.Lys290Asn (NM_001142576.2); c.762G>T, p.Lys254Asn (NM_001304521.2); c.861G>T, p.Lys287Asn (NM_183243.3); short protein forms K238N, K290N, K323N, K233N, K254N, K287N, K213N, K313N.
Identifiers: ClinVar variation 1371890 (VCV001371890.8), dbSNP rs761583072, ClinGen allele CA369168984.